The following is an entry in ClinVar:

NM_022081.6(HPS4):c.829C>T (p.Gln277Ter)

Gene: HPS4 (HPS4 biogenesis of lysosomal organelles complex 3 subunit 2; minus strand). Cytogenetic location: 22q12.1.
Variant type: single nucleotide variant.
Coding change: c.829C>T on transcript NM_022081.6 (MANE Select); coding-DNA position 829, C replaced by T.
Protein change: p.Gln277Ter; replaces glutamine 277 with a stop codon.
Molecular consequence: nonsense. On other transcripts: non-coding transcript variant (8).
Genome position (GRCh38, 1-based): chr22:26,464,801, G>A on the plus strand (C>T on the coding strand, the complement: HPS4 is on the minus strand). VCF-style: chr22-26464801-G-A. GRCh37 (hg19) VCF-style: chr22-26860767-G-A.
Other names: c.829C>T, p.Gln277Ter (NM_001349896.1, NM_001349898.2, NM_001349899.2 and 5 more transcripts); c.883C>T, p.Gln295Ter (NM_001349900.2, NM_001349901.1); c.814C>T, p.Gln272Ter (NM_152841.2); short protein forms Q277*, Q295*, Q272*.
Identifiers: ClinVar variation 2839862 (VCV002839862.3), dbSNP rs2518229209, ClinGen allele CA411028739.
Genomic context (GRCh38, chr22:26,464,801, plus strand): 5'-CGTTTTCTTTCAGGGCAGATGTGCTCCCACCCTTTGGATGGTGCTGGGCTGAACCATCCT[G>A]GAGTCCTGCTGGAGATGCTAGAGACCTGGCAAACAAGAGAGATGTAAGGAAGGGGCACGT-3'

ClinVar aggregate classification (germline): Pathogenic (1 of 4 stars; one submission).

Submission:

Labcorp Genetics (formerly Invitae), Labcorp
Classification: Pathogenic. Last evaluated: 2023-03-02. Review status: criteria provided, single submitter. Criteria: Invitae Variant Classification Sherloc (09022015). Collection method: clinical testing. Allele origin: germline.
Comment: For these reasons, this variant has been classified as Pathogenic. This variant has not been reported in the literature in individuals affected with HPS4-related conditions. This variant is not present in population databases (gnomAD no frequency). This sequence change creates a premature translational stop signal (p.Gln277*) in the HPS4 gene. It is expected to result in an absent or disrupted protein product. Loss-of-function variants in HPS4 are known to be pathogenic (PMID: 12664304).

Literature cited by the submitters: PubMed 12664304.